The following is an entry in ClinVar:

NM_006087.4(TUBB4A):c.5G>A (p.Arg2Gln)

Genes: TUBB4A (tubulin beta 4A class IVa; minus strand), LOC130063295 (ATAC-STARR-seq lymphoblastoid silent region 9955; plus strand). Cytogenetic location: 19p13.3.
Variant type: single nucleotide variant.
Coding change: c.5G>A on transcript NM_006087.4 (MANE Select); coding-DNA position 5, G replaced by A.
Protein change: p.Arg2Gln; replaces arginine 2 with glutamine.
Molecular consequence: missense variant. On other transcripts: 5 prime UTR variant (2).
Genome position (GRCh38, 1-based): chr19:6,502,208, C>T on the plus strand (G>A on the coding strand, the complement: TUBB4A is on the minus strand). VCF-style: chr19-6502208-C-T. GRCh37 (hg19) VCF-style: chr19-6502219-C-T.
Other names: c.158G>A, p.Arg53Gln (NM_001289123.2); c.140G>A, p.Arg47Gln (NM_001289127.2); c.5G>A, p.Arg2Gln (NM_001289129.2); c.-169G>A (NM_001289130.2); c.-136G>A (NM_001289131.2); short protein forms R2Q, R53Q, R47Q.
Identifiers: ClinVar variation 139452 (VCV000139452.77), dbSNP rs587777467, ClinGen allele CA163218.

ClinVar aggregate classification (germline): Pathogenic. Review status: criteria provided, multiple submitters, no conflicts (2 of 4 stars). 6 submissions from 6 submitters: Pathogenic (4). 2 of the submissions do not count toward it. Last evaluated 2022-09-01.

Conditions:
Leukodystrophy, hypomyelinating, 6. Also called: Hypomyelination with Atrophy of Basal Ganglia and Cerebellum (H-ABC); TUBB4A-Associated Leukodystrophy; LEUKODYSTROPHY, HYPOMYELINATING, WITH ATROPHY OF THE BASAL GANGLIA AND CEREBELLUM. Identifiers: Orphanet 139441, MedGen C2676244, MONDO:0012905, OMIM 612438.

Submissions (6):

MyeliNeuroGene Lab, McGill University Health Center Research Institute
Classification: Pathogenic for Leukodystrophy, hypomyelinating, 6. Last evaluated: 2022-09-01. Review status: criteria provided, single submitter. Criteria: ACMG Guidelines, 2015. Collection method: research. Allele origin: de novo. Inheritance: Sporadic. Affected: yes. Observed: 1 variant allele, 1 heterozygote.

Labcorp Genetics (formerly Invitae), Labcorp
Classification: Pathogenic for Leukodystrophy, hypomyelinating, 6. Last evaluated: 2021-07-24. Review status: criteria provided, single submitter. Criteria: Invitae Variant Classification Sherloc (09022015). Collection method: clinical testing. Allele origin: germline.
Comment: Experimental studies are conflicting or provide insufficient evidence to determine the effect of this variant on TUBB4A protein function (PMID: 3405308). Algorithms developed to predict the effect of missense changes on protein structure and function are either unavailable or do not agree on the potential impact of this missense change (SIFT: "Deleterious"; PolyPhen-2: "Benign"; Align-GVGD: "Class C0"). ClinVar contains an entry for this variant (Variation ID: 139452). This variant has been observed in individual(s) with clinical features of hypomyelinating leukodystrophy (PMID: 24785942, 24850488). In at least one individual the variant was observed to be de novo. This variant is not present in population databases (ExAC no frequency). This sequence change replaces arginine with glutamine at codon 2 of the TUBB4A protein (p.Arg2Gln). The arginine residue is highly conserved and there is a small physicochemical difference between arginine and glutamine. Algorithms developed to predict the effect of sequence changes on RNA splicing suggest that this variant may create or strengthen a splice site. For these reasons, this variant has been classified as Pathogenic. This variant disrupts the p.Arg2 amino acid residue in TUBB4A. Other variant(s) that disrupt this residue have been determined to be pathogenic (PMID: 23595291). This suggests that this residue is clinically significant, and that variants that disrupt this residue are likely to be disease-causing.

Illumina Laboratory Services, Illumina
Classification: Pathogenic for Leukodystrophy, hypomyelinating, 6. Last evaluated: 2019-10-23. Review status: criteria provided, single submitter. Criteria: ICSLVariantClassificationCriteria RUGD 01 April 2020. Collection method: clinical testing. Allele origin: unknown.
Comment: The TUBB4A c.5G>A (p.Arg2Gln) missense variant (also known as c.158G>A; p.Arg53Gln) has been reported in two studies in which it is identified in a heterozygous state in two individuals (Hamilton et al. 2014; Miyatake et al. 2014). Parental samples were not available for testing. Two additional patients with hypomyelination with atrophy of the basal ganglia and cerebellum with different missense variants at the same residue are also reported (Hamilton et al. 2014). The p.Arg2Gln variant was absent from 575 controls subjects (Miyatake et al. 2014) and is not found in the Genome Aggregation Database in a region of good sequence coverage. The p.Arg2Gln variant occurs within the MREI motif which is involved in autoregulatory mechanisms for beta-tubulin stability (Hersheson et al. 2013). Based on the available evidence and the application of the ACMG criteria, the p.Arg2Gln variant is classified as pathogenic for TUBB4A-related leukodystrophy.

GeneDx
Classification: Pathogenic. Last evaluated: 2017-03-23. Review status: criteria provided, single submitter. Criteria: GeneDx Variant Classification (06012015). Collection method: clinical testing. Allele origin: germline. Affected: yes.
Comment: The R2Q pathogenic variant in the TUBB4A gene has been reported multiple times previously in assocation with atrophy of the basal ganglia and cerebellum (H-ABC) (Miyatake et al., 2014; Hamilton et al., 2014). Additionally, missense variants in the same residue but involving different amino acid substitutions (R2W and R2G) have been reported in association with H-ABC and dystonia type 4 respectively (Hamilton et al., 2014; Hersheson et al., 2013). The R2Q variant is not observed in large population cohorts (Lek et al., 2016; 1000 Genomes Consortium et al., 2015; Exome Variant Server). The R2Q variant is a semi-conservative amino acid substitution, which may impact secondary protein structure as these residues differ in some properties. This substitution occurs at a highly conserved position within the beta-tubulin tetrapeptide Met-Arg-Glu-Ile (MREI) motif which is involved in autoregulatory mechanisms for beta-tubulin stability (Miyatake et al., 2014).

OMIM
Classification: Pathogenic for LEUKODYSTROPHY, HYPOMYELINATING, 6. Last evaluated: 2014-05-21. Review status: no assertion criteria provided. Collection method: literature only. Allele origin: germline. Not counted in ClinVar's aggregate classification.

GeneReviews
No classification provided. Condition: Leukodystrophy, hypomyelinating, 6. Review status: no classification provided. Collection method: literature only. Allele origin: germline. Affected: yes. Not counted in ClinVar's aggregate classification.

Literature cited by the submitters: PubMed 3405308 (cited by Labcorp Genetics (formerly Invitae), Labcorp); PubMed 24785942 (cited by 3 submitters); PubMed 24850488 (cited by 4 submitters); PubMed 23595291 (cited by Labcorp Genetics (formerly Invitae), Labcorp); PubMed 23424103 (cited by Illumina Laboratory Services, Illumina); NCBI Bookshelf NBK395611 (cited by GeneReviews).